The following is an entry in ClinVar:

NM_014244.5(ADAMTS2):c.2018T>C (p.Met673Thr)

Gene: ADAMTS2 (ADAM metallopeptidase with thrombospondin type 1 motif 2; minus strand). Cytogenetic location: 5q35.3.
Variant type: single nucleotide variant.
Coding change: c.2018T>C on transcript NM_014244.5 (MANE Select); coding-DNA position 2018, T replaced by C.
Protein change: p.Met673Thr; replaces methionine 673 with threonine.
Molecular consequence: missense variant.
Genome position (GRCh38, 1-based): chr5:179,135,976, A>G on the plus strand (T>C on the coding strand, the complement: ADAMTS2 is on the minus strand). VCF-style: chr5-179135976-A-G. GRCh37 (hg19) VCF-style: chr5-178562977-A-G.
Other names: short protein forms M673T.
Identifiers: ClinVar variation 1713463 (VCV001713463.6), dbSNP rs2480190644, ClinGen allele CA362425749.

ClinVar aggregate classification (germline): Uncertain significance (1 of 4 stars; one submission).

Conditions:
Ehlers-Danlos syndrome, dermatosparaxis type. Also called: Dermatosparaxis; Ehlers-Danlos syndrome, type VII, autosomal recessive; EDS VIIC. Identifiers: Orphanet 1901, MedGen C2700425, MONDO:0009161, OMIM 225410.

Submission:

Labcorp Genetics (formerly Invitae), Labcorp
Classification: Uncertain significance for Ehlers-Danlos syndrome, dermatosparaxis type. Last evaluated: 2022-08-18. Review status: criteria provided, single submitter. Criteria: Invitae Variant Classification Sherloc (09022015). Collection method: clinical testing. Allele origin: germline.
Comment: This sequence change replaces methionine, which is neutral and non-polar, with threonine, which is neutral and polar, at codon 673 of the ADAMTS2 protein (p.Met673Thr). This variant is not present in population databases (gnomAD no frequency). This variant has not been reported in the literature in individuals affected with ADAMTS2-related conditions. Algorithms developed to predict the effect of missense changes on protein structure and function (SIFT, PolyPhen-2, Align-GVGD) all suggest that this variant is likely to be disruptive. In summary, the available evidence is currently insufficient to determine the role of this variant in disease. Therefore, it has been classified as a Variant of Uncertain Significance.